The following is an entry in ClinVar:

ClinVar aggregate classification (germline): Uncertain significance. Review status: criteria provided, multiple submitters, no conflicts (2 of 4 stars). 9 submissions from 9 submitters: Uncertain significance (5). 4 of the submissions do not count toward it. Last evaluated 2025-11-03.

Conditions:
Hereditary cancer-predisposing syndrome. Also called: Neoplastic Syndromes, Hereditary; Hereditary Cancer Syndrome; Tumor predisposition; Hereditary neoplastic syndrome. Identifiers: Orphanet 140162, MedGen C0027672, MeSH D009386, MONDO:0015356.
Familial adenomatous polyposis 2. Also called: MUTYH-associated polyposis; MUTYH Polyposis; FAP type 2; Adenomas, multiple colorectal; COLORECTAL ADENOMATOUS POLYPOSIS, AUTOSOMAL RECESSIVE; ADENOMAS, MULTIPLE COLORECTAL, AUTOSOMAL RECESSIVE. Identifiers: Orphanet 220460, Orphanet 247798, MedGen C3272841, MONDO:0012041, OMIM 608456.

Submissions (9):

Labcorp Genetics (formerly Invitae), Labcorp
Classification: Uncertain significance for Familial adenomatous polyposis 2. Last evaluated: 2025-11-03. Review status: criteria provided, single submitter. Criteria: Invitae Variant Classification Sherloc (09022015). Collection method: clinical testing. Allele origin: germline.
Comment: This sequence change replaces glycine, which is neutral and non-polar, with valine, which is neutral and non-polar, at codon 56 of the MUTYH protein (p.Gly56Val). This variant is present in population databases (rs587781374, gnomAD 0.002%). This variant has not been reported in the literature in individuals affected with MUTYH-related conditions. ClinVar contains an entry for this variant (Variation ID: 140924). An algorithm developed to predict the effect of missense changes on protein structure and function (PolyPhen-2) suggests that this variant is likely to be tolerated. In summary, the available evidence is currently insufficient to determine the role of this variant in disease. Therefore, it has been classified as a Variant of Uncertain Significance.

Ambry Genetics
Classification: Uncertain significance for Hereditary cancer-predisposing syndrome. Last evaluated: 2025-03-20. Review status: criteria provided, single submitter. Criteria: Ambry Variant Classification Scheme 2023. Collection method: clinical testing. Allele origin: germline.

GeneDx
Classification: Uncertain significance. Last evaluated: 2024-09-30. Review status: criteria provided, single submitter. Criteria: GeneDx Variant Classification Process June 2021. Collection method: clinical testing. Allele origin: germline. Affected: yes.
Comment: Not observed at significant frequency in large population cohorts (gnomAD); In silico analysis indicates that this missense variant does not alter protein structure/function; Has not been previously published as pathogenic or benign to our knowledge

Color Diagnostics, LLC DBA Color Health
Classification: Uncertain significance for Hereditary cancer-predisposing syndrome. Last evaluated: 2024-03-06. Review status: criteria provided, single submitter. Criteria: ACMG Guidelines, 2015. Collection method: clinical testing. Allele origin: germline.
Comment: This missense variant replaces glycine with valine at codon 56 of the MUTYH protein. Computational prediction suggests that this variant may not impact protein structure and function (internally defined REVEL score threshold <= 0.5, PMID: 27666373). To our knowledge, functional studies have not been reported for this variant. This variant has not been reported in individuals affected with MUTYH-related disorders in the literature. This variant has been identified in 2/248342 chromosomes in the general population by the Genome Aggregation Database (gnomAD). The available evidence is insufficient to determine the role of this variant in disease conclusively. Therefore, this variant is classified as a Variant of Uncertain Significance.

All of Us Research Program, National Institutes of Health
Classification: Uncertain significance for Familial adenomatous polyposis 2. Last evaluated: 2024-01-11. Review status: criteria provided, single submitter. Criteria: ACMG Guidelines, 2015. Collection method: clinical testing. Allele origin: germline. Inheritance: Autosomal recessive inheritance. Observed: 2 variant alleles, 2 heterozygotes.
Comment: This missense variant replaces glycine with valine at codon 56 of the MUTYH protein. Computational prediction suggests that this variant may not impact protein structure and function (internally defined REVEL score threshold <= 0.5, PMID: 27666373). To our knowledge, functional studies have not been reported for this variant. This variant has not been reported in individuals affected with MUTYH-related disorders in the literature. This variant has been identified in 2/248342 chromosomes in the general population by the Genome Aggregation Database (gnomAD). The available evidence is insufficient to determine the role of this variant in disease conclusively. Therefore, this variant is classified as a Variant of Uncertain Significance.

This study involves interpretation of variants in research participants for the purpose of population health screening. Participant phenotype was not available at the time of variant classification. Additional details can be found in publication PMID: 35346344, PMCID: PMC8962531

Counsyl
Classification: Uncertain significance for Familial adenomatous polyposis 2. Last evaluated: 2016-10-27. Review status: no assertion criteria provided. Collection method: clinical testing. Allele origin: unknown. Not counted in ClinVar's aggregate classification.

Clinical Genetics DNA and cytogenetics Diagnostics Lab, Erasmus MC, Erasmus Medical Center
Classification: Likely benign. Review status: no assertion criteria provided. Collection method: clinical testing. Allele origin: germline. Affected: yes. Study: VKGL Data-share Consensus. Not counted in ClinVar's aggregate classification.

Clinical Genetics, Academic Medical Center
Classification: Likely benign. Review status: no assertion criteria provided. Collection method: clinical testing. Allele origin: germline. Affected: yes. Study: VKGL Data-share Consensus. Not counted in ClinVar's aggregate classification.

Joint Genome Diagnostic Labs from Nijmegen and Maastricht, Radboudumc and MUMC+
Classification: Likely benign. Review status: no assertion criteria provided. Collection method: clinical testing. Allele origin: germline. Affected: yes. Study: VKGL Data-share Consensus. Not counted in ClinVar's aggregate classification.

NM_001128425.2(MUTYH):c.167G>T (p.Gly56Val)

Gene: MUTYH (mutY DNA glycosylase; minus strand). Cytogenetic location: 1p34.1.
Variant type: single nucleotide variant.
Coding change: c.167G>T on transcript NM_001128425.2 (MANE Plus Clinical); coding-DNA position 167, G replaced by T.
Protein change: p.Gly56Val; replaces glycine 56 with valine.
Molecular consequence: missense variant. On other transcripts: intron variant (10).
Genome position (GRCh38, 1-based): chr1:45,333,594, C>A on the plus strand (G>T on the coding strand, the complement: MUTYH is on the minus strand). VCF-style: chr1-45333594-C-A. GRCh37 (hg19) VCF-style: chr1-45799266-C-A.
Other names: c.116G>T, p.Gly39Val (NM_001293191.2); c.158G>T, p.Gly53Val (NM_012222.3); c.-92-97G>T (NM_001350651.2); c.-97-97G>T (NM_001293192.2, NM_001293196.2); c.-156-33G>T (NM_001350650.2); c.116-33G>T (NM_001048171.2, NM_001048173.2, NM_001048174.2 and 1 more transcripts); c.158-30G>T (NM_001293190.2); c.116-30G>T (NM_001048172.2); short protein forms G56V, G39V, G53V.
Identifiers: ClinVar variation 140924 (VCV000140924.30), dbSNP rs587781374, ClinGen allele CA011708.
Genomic context (GRCh38, chr1:45,333,594, plus strand): 5'-ACCACCTCTTCCGGCTGCCTGGCCAGGCCTGCTGGGGCCCCAGGACACTCAGCAATCATC[C>A]CTGCACAGGCTGTGCATCAGGGTCTTGGGACACAGCAGCCTGTGGCAGTATGCTCCCACT-3'
Protein context (NP_001121897.1, residues 46-66): AKPSACDACA[Gly56Val]MIAECPGAPA